The following is an entry in ClinVar:

NM_000307.5(POU3F4):c.731dup (p.Asn244fs)

Gene: POU3F4 (POU class 3 homeobox 4; plus strand). Cytogenetic location: Xq21.1.
Variant type: Duplication.
Coding change: c.731dup on transcript NM_000307.5 (MANE Select); coding-DNA position 731, one base duplicated (A; older notation c.731dupA).
Protein change: p.Asn244fs; shifts the reading frame from asparagine 244.
Molecular consequence: frameshift variant.
Genome position (GRCh38, 1-based): chrX:83,509,055, A duplicated; the last of 5 consecutive A bases (chrX:83,509,051-83,509,055); duplicating any one gives the same sequence. VCF-style (leftmost placement, unchanged base first): chrX-83509050-C-CA. GRCh37 (hg19) VCF-style: chrX-82764058-C-CA.
Other names: short protein forms N244fs.
Identifiers: ClinVar variation 3774354 (VCV003774354.1).

ClinVar aggregate classification (germline): Likely pathogenic (0 of 4 stars; one submission).

Conditions:
X-linked mixed hearing loss with perilymphatic gusher. Also called: NANCE DEAFNESS; PERILYMPHATIC GUSHER-DEAFNESS SYNDROME; Gusher syndrome; SENSORINEURAL DEAFNESS, PROFOUND, WITH OR WITHOUT A CONDUCTIVE COMPONENT, ASSOCIATED WITH A UNIQUE DEVELOPMENTAL ABNORMALITY OF THE EAR; Deafness, X-linked 2. Identifiers: Orphanet 383, MedGen C1844678, MONDO:0010576, OMIM 304400.

Submission:

Department of Pediatrics, Division of Medical Genetics, Faculty of Medicine Ramathibodi Hospital, Mahidol University
Classification: Likely pathogenic for X-linked mixed hearing loss with perilymphatic gusher. Last evaluated: 2025-03-12. Review status: no assertion criteria provided. Collection method: research. Allele origin: maternal. Inheritance: X-linked recessive inheritance. Affected: yes. Observed: 3 variant alleles, 1 heterozygote, 2 hemizygotes.
Comment: This sequence change creates a premature translational stop signal (p.Asn244Lysfs*27) in the POU3F4 gene. It is expected to result in an absent or disrupted protein product. Loss-of-function variants in POU3F4 are known to be pathogenic (PMID: 27941975). This variant is not present in population databases (gnomAD no frequency). For these reasons, this variant has been classified as Likely-pathogenic.

Literature cited by the submitters: PubMed 27941975.